The following is an entry in ClinVar:

NM_015466.4(PTPN23):c.4414G>A (p.Ala1472Thr)

Gene: PTPN23 (protein tyrosine phosphatase non-receptor type 23; plus strand). Cytogenetic location: 3p21.31.
Variant type: single nucleotide variant.
Coding change: c.4414G>A on transcript NM_015466.4 (MANE Select); coding-DNA position 4414, G replaced by A.
Protein change: p.Ala1472Thr; replaces alanine 1472 with threonine.
Molecular consequence: missense variant.
Genome position (GRCh38, 1-based): chr3:47,412,610, G>A. VCF-style: chr3-47412610-G-A. GRCh37 (hg19) VCF-style: chr3-47454100-G-A.
Other names: c.4036G>A, p.Ala1346Thr (NM_001304482.2); short protein forms A1346T, A1472T.
Identifiers: ClinVar variation 1945556 (VCV001945556.4), dbSNP rs1705345389, ClinGen allele CA352567123.
Genomic context (GRCh38, chr3:47,412,610, plus strand): 5'-CACGTGGAGCAGGTCCTGCAGCGCCATGGTGTGCCTCCTCCATGCAAACCCTTGGCCAGT[G>A]CAAGCATCAGCCAGAAGGTGAGGAAGGTTCCGTGGAAGCTGCTGGGAGAGCCACAGCCTT-3'
Protein context (NP_056281.1, residues 1462-1482): VPPPCKPLAS[Ala1472Thr]SISQKNHLPQ

ClinVar aggregate classification (germline): Uncertain significance (1 of 4 stars; one submission).

Allele frequency attached by ClinVar (database versions not stated): gnomAD exomes below 0.00001; gnomAD 0.00001; TOPMed 0.00001.
gnomAD v4.1: 2 of 1,613,352 alleles (0.00012%); highest among the groups gnomAD compares: African/African-American, 0.0013%; no homozygotes.

Submission:

Labcorp Genetics (formerly Invitae), Labcorp
Classification: Uncertain significance. Last evaluated: 2022-03-26. Review status: criteria provided, single submitter. Criteria: Invitae Variant Classification Sherloc (09022015). Collection method: clinical testing. Allele origin: germline.
Comment: Algorithms developed to predict the effect of missense changes on protein structure and function output the following: SIFT: "Tolerated"; PolyPhen-2: "Benign"; Align-GVGD: "Class C0". The threonine amino acid residue is found in multiple mammalian species, which suggests that this missense change does not adversely affect protein function. This sequence change replaces alanine, which is neutral and non-polar, with threonine, which is neutral and polar, at codon 1472 of the PTPN23 protein (p.Ala1472Thr). This variant is not present in population databases (gnomAD no frequency). This variant has not been reported in the literature in individuals affected with PTPN23-related conditions. In summary, the available evidence is currently insufficient to determine the role of this variant in disease. Therefore, it has been classified as a Variant of Uncertain Significance.